The following is an entry in ClinVar:

ClinVar aggregate classification (germline): Uncertain significance. Review status: criteria provided, multiple submitters, no conflicts (2 of 4 stars). 2 submissions from 2 submitters: Uncertain significance (2). Last evaluated 2025-09-11.

Conditions:
Ataxia-telangiectasia syndrome (AT). Also called: Ataxia-telangiectasia; ATAXIA-TELANGIECTASIA, FRESNO VARIANT; Ataxia-telangiectasia, complementation group E; ATAXIA-TELANGIECTASIA, COMPLEMENTATION GROUP A; Ataxia telangiectasia (A-T); Cerebello-oculocutaneous telangiectasia. Identifiers: Orphanet 100, MedGen C0004135, MONDO:0008840, OMIM 208900.
Hereditary cancer-predisposing syndrome. Also called: Hereditary Cancer Syndrome; Hereditary neoplastic syndrome; Tumor predisposition; Neoplastic Syndromes, Hereditary. Identifiers: Orphanet 140162, MedGen C0027672, MeSH D009386, MONDO:0015356.

gnomAD v4.1: 6 of 1,613,590 alleles (0.00037%); highest among the groups gnomAD compares: Non-Finnish European, 0.00051%; no homozygotes.

Submissions (2):

Labcorp Genetics (formerly Invitae), Labcorp
Classification: Uncertain significance for Ataxia-telangiectasia syndrome. Last evaluated: 2025-09-11. Review status: criteria provided, single submitter. Criteria: Invitae Variant Classification Sherloc (09022015). Collection method: clinical testing. Allele origin: germline.
Comment: This sequence change falls in intron 34 of the ATM gene. It does not directly change the encoded amino acid sequence of the ATM protein. This variant is not present in population databases (gnomAD no frequency). This variant has not been reported in the literature in individuals affected with ATM-related conditions. ClinVar contains an entry for this variant (Variation ID: 3802418). Algorithms developed to predict the effect of sequence changes on RNA splicing suggest that this variant may disrupt the consensus splice site. In summary, the available evidence is currently insufficient to determine the role of this variant in disease. Therefore, it has been classified as a Variant of Uncertain Significance.

Ambry Genetics
Classification: Uncertain significance for Hereditary cancer-predisposing syndrome. Last evaluated: 2025-02-25. Review status: criteria provided, single submitter. Criteria: Ambry Variant Classification Scheme 2023. Collection method: clinical testing. Allele origin: germline.
Comment: The c.5178-5T>A intronic variant results from a T to A substitution 5 nucleotides upstream from coding exon 34 in the ATM gene. This nucleotide position is highly conserved in available vertebrate species. In silico splice site analysis predicts that this alteration will weaken the native splice acceptor site. Based on the available evidence, the clinical significance of this variant remains unclear.

NM_000051.4(ATM):c.5178-5T>A

Gene: ATM (ATM serine/threonine kinase; plus strand). Cytogenetic location: 11q22.3.
Variant type: single nucleotide variant.
Coding change: c.5178-5T>A on transcript NM_000051.4 (MANE Select); 5 bases into the intron before coding-DNA position 5178, T replaced by A.
Molecular consequence: intron variant.
Genome position (GRCh38, 1-based): chr11:108,301,643, T>A. VCF-style: chr11-108301643-T-A. GRCh37 (hg19) VCF-style: chr11-108172370-T-A.
Other names: c.5178-5T>A (NM_001351834.2).
Identifiers: ClinVar variation 3802418 (VCV003802418.2).
Genomic context (GRCh38, chr11:108,301,643, plus strand): 5'-GAGGTTAACATTCATCAAGATTAATAACTGGTGTACTTGATAGGCATTTGAATTGTTTTT[T>A]TCAGTGTCAAAGTTCGATCAGCAGCTGTTACCTGTTTGAAAAACATTTTAGCCACAAAGA-3'